The following is an entry in ClinVar:

ClinVar aggregate classification (germline): Uncertain significance (1 of 4 stars; one submission).

Conditions:
RYR1-related disorder. Also called: RYR1-related condition; RYR1-related disorders. Identifiers: MedGen CN239331.

Submission:

Labcorp Genetics (formerly Invitae), Labcorp
Classification: Uncertain significance for RYR1-related disorder. Last evaluated: 2025-06-02. Review status: criteria provided, single submitter. Criteria: Invitae Variant Classification Sherloc (09022015). Collection method: clinical testing. Allele origin: germline.
Comment: This sequence change replaces glutamine, which is neutral and polar, with arginine, which is basic and polar, at codon 296 of the RYR1 protein (p.Gln296Arg). This variant is not present in population databases (gnomAD no frequency). This variant has not been reported in the literature in individuals affected with RYR1-related conditions. ClinVar contains an entry for this variant (Variation ID: 2152299). Invitae Evidence Modeling of protein sequence and biophysical properties (such as structural, functional, and spatial information, amino acid conservation, physicochemical variation, residue mobility, and thermodynamic stability) indicates that this missense variant is not expected to disrupt RYR1 protein function with a negative predictive value of 80%. In summary, the available evidence is currently insufficient to determine the role of this variant in disease. Therefore, it has been classified as a Variant of Uncertain Significance.

NM_000540.3(RYR1):c.887A>G (p.Gln296Arg)

Gene: RYR1 (ryanodine receptor 1; plus strand). Cytogenetic location: 19q13.2.
Variant type: single nucleotide variant.
Coding change: c.887A>G on transcript NM_000540.3 (MANE Select); coding-DNA position 887, A replaced by G.
Protein change: p.Gln296Arg; replaces glutamine 296 with arginine.
Molecular consequence: missense variant.
Genome position (GRCh38, 1-based): chr19:38,448,441, A>G. VCF-style: chr19-38448441-A-G. GRCh37 (hg19) VCF-style: chr19-38939081-A-G.
Other names: c.887A>G, p.Gln296Arg (NM_001042723.2); short protein forms Q296R.
Identifiers: ClinVar variation 2152299 (VCV002152299.4), dbSNP rs2513995115, ClinGen allele CA405681933.